The following is an entry in ClinVar:

ClinVar aggregate classification (germline): Likely benign (1 of 4 stars; one submission).

gnomAD v4.1: 2 of 1,612,894 alleles (0.00012%); highest among the groups gnomAD compares: African/African-American, 0.0027%; no homozygotes.

Submission:

CeGaT Center for Human Genetics Tuebingen
Classification: Likely benign. Last evaluated: 2024-10-01. Review status: criteria provided, single submitter. Criteria: CeGaT Center For Human Genetics Tuebingen Variant Classification Criteria Version 2. Collection method: clinical testing. Allele origin: germline. Affected: yes. Observed: 1 variant allele.
Comment: CENPF: BP4, BP7

NM_016343.4(CENPF):c.6618C>G (p.Val2206=)

Gene: CENPF (centromere protein F; plus strand). Cytogenetic location: 1q41.
Variant type: single nucleotide variant.
Coding change: c.6618C>G on transcript NM_016343.4 (MANE Select); coding-DNA position 6618, C replaced by G.
Protein change: p.Val2206=; no amino-acid change (valine 2206 retained).
Molecular consequence: synonymous variant.
Genome position (GRCh38, 1-based): chr1:214,646,188, C>G. VCF-style: chr1-214646188-C-G. GRCh37 (hg19) VCF-style: chr1-214819531-C-G.
Identifiers: ClinVar variation 3389006 (VCV003389006.14).